The following is an entry in ClinVar:

ClinVar aggregate classification (germline): Likely benign (1 of 4 stars; one submission).

gnomAD v4.1: 5 of 1,613,220 alleles (0.00031%); highest among the groups gnomAD compares: Admixed American, 0.005%; no homozygotes.

Submission:

CeGaT Center for Human Genetics Tuebingen
Classification: Likely benign. Last evaluated: 2026-05-01. Review status: criteria provided, single submitter. Criteria: CeGaT Center For Human Genetics Tuebingen Variant Classification Criteria Version 2. Collection method: clinical testing. Allele origin: germline. Affected: yes. Observed: 1 variant allele.
Comment: TPRN: BP4, BP7

NM_001128228.3(TPRN):c.1624T>C (p.Leu542=)

Gene: TPRN (taperin; minus strand). Cytogenetic location: 9q34.3.
Variant type: single nucleotide variant.
Coding change: c.1624T>C on transcript NM_001128228.3 (MANE Select); coding-DNA position 1624, T replaced by C.
Protein change: p.Leu542=; no amino-acid change (leucine 542 retained).
Molecular consequence: synonymous variant.
Genome position (GRCh38, 1-based): chr9:137,199,088, A>G on the plus strand (T>C on the coding strand, the complement: TPRN is on the minus strand). VCF-style: chr9-137199088-A-G. GRCh37 (hg19) VCF-style: chr9-140093540-A-G.
Identifiers: ClinVar variation 4873719 (VCV004873719.2).
Genomic context (GRCh38, chr9:137,199,088, plus strand): 5'-GCAGGGCCAGGTAGCCGCCAATCACCTCGATCTCATGCACGGTGGGGTAGCGCTTCTTCA[A>G]CGTGGGCCCCAGGAGGCAACTAGCCTCCTCCTCCTCGGCCTCCCGTGGCCGAGGCTCCCT-3'
Protein context (NP_001121700.2, residues 532-552): EEASCLLGPT[Leu542=]KKRYPTVHEI